The following is an entry in ClinVar:

ClinVar aggregate classification (germline): Conflicting classifications of pathogenicity. Review status: criteria provided, conflicting classifications (1 of 4 stars). 2 submissions from 2 submitters: Uncertain significance (1); Likely benign (1). Last evaluated 2025-12-01.

Conditions:
Geleophysic dysplasia 1 (GPHYSD1). Also called: Geleophysic dwarfism. Identifiers: Orphanet 2623, MedGen C3278147, MONDO:0009269, OMIM 231050.

Allele frequency attached by ClinVar (database versions not stated): gnomAD exomes 0.00002; gnomAD 0.00003 and 0.00004; TOPMed 0.00005.

Submissions (2):

CeGaT Center for Human Genetics Tuebingen
Classification: Likely benign. Last evaluated: 2025-12-01. Review status: criteria provided, single submitter. Criteria: CeGaT Center For Human Genetics Tuebingen Variant Classification Criteria Version 2. Collection method: clinical testing. Allele origin: germline. Affected: yes. Observed: 1 variant allele.
Comment: ADAMTSL2: BP4, BP7

Illumina Laboratory Services, Illumina
Classification: Uncertain significance for Geleophysic dysplasia 1. Last evaluated: 2018-01-12. Review status: criteria provided, single submitter. Criteria: ICSL Variant Classification Criteria 13 December 2019. Collection method: clinical testing. Allele origin: germline.

NM_014694.4(ADAMTSL2):c.2631C>T (p.Asp877=)

Gene: ADAMTSL2 (ADAMTS like 2; plus strand). Cytogenetic location: 9q34.2.
Variant type: single nucleotide variant.
Coding change: c.2631C>T on transcript NM_014694.4 (MANE Select); coding-DNA position 2631, C replaced by T.
Protein change: p.Asp877=; no amino-acid change (aspartic acid 877 retained).
Molecular consequence: synonymous variant.
Genome position (GRCh38, 1-based): chr9:133,573,881, C>T. VCF-style: chr9-133573881-C-T. GRCh37 (hg19) VCF-style: chr9-136439003-C-T.
Other names: c.2631C>T, p.Asp877= (NM_001145320.2).
Identifiers: ClinVar variation 914433 (VCV000914433.9), dbSNP rs901152873, ClinGen allele CA200938770.
Genomic context (GRCh38, chr9:133,573,881, plus strand): 5'-CCTTCTGTCTCTCCCACACCAGTGCACCAAGACCTGCGGGGTGGGCGTGAGGATGCGAGA[C>T]GTCAAGTGCTACCAGGGGACCGACATCGTCCGTGGTTGCGATCCGTTGGTGAAGCCCGTT-3'
Protein context (NP_055509.2, residues 867-887): KTCGVGVRMR[Asp877=]VKCYQGTDIV